The following is an entry in ClinVar:

NM_000245.4(MET):c.3810C>T (p.Gly1270=)

Gene: MET (MET proto-oncogene, receptor tyrosine kinase; plus strand). Cytogenetic location: 7q31.2.
Variant type: single nucleotide variant.
Coding change: c.3810C>T on transcript NM_000245.4 (MANE Select); coding-DNA position 3810, C replaced by T.
Protein change: p.Gly1270=; no amino-acid change (glycine 1270 retained).
Molecular consequence: synonymous variant.
Genome position (GRCh38, 1-based): chr7:116,795,666, C>T. VCF-style: chr7-116795666-C-T. GRCh37 (hg19) VCF-style: chr7-116435720-C-T.
Other names: c.3864C>T (LRG_662t1); c.3864C>T, p.Gly1288= (NM_001127500.3); c.2520C>T, p.Gly840= (NM_001324402.2).
Identifiers: ClinVar variation 135967 (VCV000135967.53), dbSNP rs200865810, ClinGen allele CA187984.

ClinVar aggregate classification (germline): Benign/Likely benign. Review status: criteria provided, multiple submitters, no conflicts (2 of 4 stars). 10 submissions from 10 submitters: Benign (3); Likely benign (7). Last evaluated 2026-06-01.

Conditions:
Renal cell carcinoma. Identifiers: Orphanet 217071, MedGen C0007134, MeSH D002292, MONDO:0005086, HP:0005584.
Hereditary cancer-predisposing syndrome. Also called: Tumor predisposition; Hereditary neoplastic syndrome; Hereditary Cancer Syndrome; Neoplastic Syndromes, Hereditary. Identifiers: Orphanet 140162, MedGen C0027672, MeSH D009386, MONDO:0015356.
Papillary renal cell carcinoma type 1 (RCCP1). Also called: Renal adenocarcinoma; Renal cell carcinoma 1; Renal cell carcinoma, somatic; RENAL CELL CARCINOMA, PAPILLARY, 1, SOMATIC. Identifiers: Orphanet 47044, MedGen C1336839, OMIM 605074, HP:0011797.

Allele frequency attached by ClinVar (database versions not stated): 1000 Genomes Project 0.00020; ESP Exome Variant Server 0.00033; gnomAD 0.00038 and 0.00039; TOPMed 0.00044; 1000 Genomes Project 30x 0.00016.
gnomAD v4.1: 547 of 1,613,876 alleles (0.034%); highest among the groups gnomAD compares: Admixed American, 0.14%; no homozygotes.

Submissions (10):

CeGaT Center for Human Genetics Tuebingen
Classification: Likely benign. Last evaluated: 2026-06-01. Review status: criteria provided, single submitter. Criteria: CeGaT Center For Human Genetics Tuebingen Variant Classification Criteria Version 2. Collection method: clinical testing. Allele origin: germline. Affected: yes. Observed: 4 variant alleles.
Comment: MET: BP4, BP7

Labcorp Genetics (formerly Invitae), Labcorp
Classification: Benign for Renal cell carcinoma. Last evaluated: 2026-01-31. Review status: criteria provided, single submitter. Criteria: Invitae Variant Classification Sherloc (09022015). Collection method: clinical testing. Allele origin: germline.

Center for Genomic Medicine, Rigshospitalet, Copenhagen University Hospital
Classification: Likely benign. Last evaluated: 2025-03-04. Review status: criteria provided, single submitter. Criteria: ACMG Guidelines, 2015. Collection method: clinical testing. Allele origin: germline.

Myriad Genetics, Inc.
Classification: Benign for Papillary renal cell carcinoma type 1. Last evaluated: 2024-11-14. Review status: criteria provided, single submitter. Criteria: Myriad Autosomal Dominant, Autosomal Recessive and X-Linked Classification Criteria (2023). Collection method: clinical testing. Allele origin: unknown.
Comment: This variant is considered benign. This variant is a silent/synonymous amino acid change and it is not expected to impact splicing.

Blueprint Genetics
Classification: Likely benign. Last evaluated: 2024-10-07. Review status: criteria provided, single submitter. Criteria: ACMG Guidelines, 2015. Collection method: clinical testing. Allele origin: germline.

Sema4
Classification: Likely benign for Hereditary cancer-predisposing syndrome. Last evaluated: 2021-05-21. Review status: criteria provided, single submitter. Criteria: Sema4 Curation Guidelines. Collection method: curation. Allele origin: germline.

GeneDx
Classification: Likely benign. Last evaluated: 2021-03-29. Review status: criteria provided, single submitter. Criteria: GeneDx Variant Classification Process June 2021. Collection method: clinical testing. Allele origin: germline. Affected: yes.

Illumina Laboratory Services, Illumina
Classification: Benign for Papillary renal cell carcinoma type 1. Last evaluated: 2018-01-13. Review status: criteria provided, single submitter. Criteria: ICSL Variant Classification Criteria 13 December 2019. Collection method: clinical testing. Allele origin: germline.
Comment: This variant was observed in the ICSL laboratory as part of a predisposition screen in an ostensibly healthy population. It had not been previously curated by ICSL or reported in the Human Gene Mutation Database (HGMD: prior to June 1st, 2018), and was therefore a candidate for classification through an automated scoring system. Utilizing variant allele frequency, disease prevalence and penetrance estimates, and inheritance mode, an automated score was calculated to assess if this variant is too frequent to cause the disease. Based on the score and internal cut-off values, a variant classified as benign is not then subjected to further curation. The score for this variant resulted in a classification of benign for this disease.

Ambry Genetics
Classification: Likely benign for Hereditary cancer-predisposing syndrome. Last evaluated: 2015-05-04. Review status: criteria provided, single submitter. Criteria: Ambry Variant Classification Scheme 2023. Collection method: clinical testing. Allele origin: germline.

Breakthrough Genomics
Classification: Likely benign. Review status: criteria provided, single submitter. Criteria: ACMG Guidelines, 2015. Collection method: not provided. Allele origin: germline. Inheritance: Autosomal recessive inheritance. Affected: yes.